The following is an entry in ClinVar:

NM_000260.4(MYO7A):c.5480+2T>A

Gene: MYO7A (myosin VIIA; plus strand). Cytogenetic location: 11q13.5.
Variant type: single nucleotide variant.
Coding change: c.5480+2T>A on transcript NM_000260.4 (MANE Select); the canonical splice donor site of the intron after coding-DNA position 5480, T replaced by A.
Molecular consequence: splice donor variant.
Genome position (GRCh38, 1-based): chr11:77,204,231, T>A. VCF-style: chr11-77204231-T-A. GRCh37 (hg19) VCF-style: chr11-76915276-T-A.
Other names: c.5333+2T>A (NM_001369365.1); c.5366+2T>A (NM_001127180.2).
Identifiers: ClinVar variation 1513970 (VCV001513970.8), dbSNP rs2135722358, ClinGen allele CA381952824.

ClinVar aggregate classification (germline): Likely pathogenic (1 of 4 stars; one submission).

Submission:

Labcorp Genetics (formerly Invitae), Labcorp
Classification: Likely pathogenic. Last evaluated: 2020-12-07. Review status: criteria provided, single submitter. Criteria: Invitae Variant Classification Sherloc (09022015). Collection method: clinical testing. Allele origin: germline.
Comment: In summary, the currently available evidence indicates that the variant is pathogenic, but additional data are needed to prove that conclusively. Therefore, this variant has been classified as Likely Pathogenic. Algorithms developed to predict the effect of sequence changes on RNA splicing suggest that this variant may disrupt the consensus splice site, but this prediction has not been confirmed by published transcriptional studies. This variant has not been reported in the literature in individuals with MYO7A-related conditions. This variant is not present in population databases (ExAC no frequency). This sequence change affects a donor splice site in intron 39 of the MYO7A gene. It is expected to disrupt RNA splicing. Variants that disrupt the donor or acceptor splice site typically lead to a loss of protein function (PMID: 16199547), and loss-of-function variants in MYO7A are known to be pathogenic (PMID: 8900236, 25404053).

Literature cited by the submitters: PubMed 16199547; PubMed 8900236; PubMed 25404053.